The following is an entry in ClinVar:

NM_001005242.3(PKP2):c.2014A>T (p.Met672Leu)

Gene: PKP2 (plakophilin 2; minus strand). Cytogenetic location: 12p11.21.
Variant type: single nucleotide variant.
Coding change: c.2014A>T on transcript NM_001005242.3 (MANE Select); coding-DNA position 2014, A replaced by T.
Protein change: p.Met672Leu; replaces methionine 672 with leucine.
Molecular consequence: missense variant.
Genome position (GRCh38, 1-based): chr12:32,802,556, T>A on the plus strand (A>T on the coding strand, the complement: PKP2 is on the minus strand). VCF-style: chr12-32802556-T-A. GRCh37 (hg19) VCF-style: chr12-32955490-T-A.
Other names: c.1687A>T, p.Met563Leu (NM_001407160.1, NM_001407158.1, NM_001407159.1); c.2146A>T, p.Met716Leu (NM_004572.4); c.2014A>T, p.Met672Leu (NM_001407155.1); c.1849A>T, p.Met617Leu (NM_001407156.1); short protein forms M563L, M617L, M672L, M716L.
Identifiers: ClinVar variation 1716009 (VCV001716009.5), dbSNP rs2541200958, ClinGen allele CA384360087.

ClinVar aggregate classification (germline): Uncertain significance (1 of 4 stars; one submission).

Conditions:
Arrhythmogenic right ventricular dysplasia 9 (ARVD9). Also called: Arrhythmogenic Right Ventricular Dysplasia/Cardiomyopathy 9; ARRHYTHMOGENIC RIGHT VENTRICULAR DYSPLASIA, FAMILIAL, 9. Identifiers: MedGen C1836906, MONDO:0012180, OMIM 609040.

Submission:

Labcorp Genetics (formerly Invitae), Labcorp
Classification: Uncertain significance for Arrhythmogenic right ventricular dysplasia 9. Last evaluated: 2022-08-15. Review status: criteria provided, single submitter. Criteria: Invitae Variant Classification Sherloc (09022015). Collection method: clinical testing. Allele origin: germline.
Comment: This sequence change replaces methionine, which is neutral and non-polar, with leucine, which is neutral and non-polar, at codon 716 of the PKP2 protein (p.Met716Leu). In summary, the available evidence is currently insufficient to determine the role of this variant in disease. Therefore, it has been classified as a Variant of Uncertain Significance. This variant is not present in population databases (gnomAD no frequency). This variant has not been reported in the literature in individuals affected with PKP2-related conditions. Algorithms developed to predict the effect of missense changes on protein structure and function (SIFT, PolyPhen-2, Align-GVGD) all suggest that this variant is likely to be tolerated.